The following is an entry in ClinVar:

ClinVar aggregate classification (germline): Uncertain significance (1 of 4 stars; one submission).

Submission:

Labcorp Genetics (formerly Invitae), Labcorp
Classification: Uncertain significance. Last evaluated: 2022-05-28. Review status: criteria provided, single submitter. Criteria: Invitae Variant Classification Sherloc (09022015). Collection method: clinical testing. Allele origin: germline.
Comment: In summary, the available evidence is currently insufficient to determine the role of this variant in disease. Therefore, it has been classified as a Variant of Uncertain Significance. Algorithms developed to predict the effect of missense changes on protein structure and function are either unavailable or do not agree on the potential impact of this missense change (SIFT: "Tolerated"; PolyPhen-2: "Not Available"; Align-GVGD: "Class C0"). This variant has not been reported in the literature in individuals affected with ERCC6L2-related conditions. This variant is not present in population databases (gnomAD no frequency). This sequence change replaces isoleucine, which is neutral and non-polar, with methionine, which is neutral and non-polar, at codon 1447 of the ERCC6L2 protein (p.Ile1447Met).

NM_020207.7(ERCC6L2):c.4308A>G (p.Ile1436Met)

Gene: ERCC6L2 (ERCC excision repair 6 like 2; plus strand). Cytogenetic location: 9q22.32.
Variant type: single nucleotide variant.
Coding change: c.4308A>G on transcript NM_020207.7 (MANE Select); coding-DNA position 4308, A replaced by G.
Protein change: p.Ile1436Met; replaces isoleucine 1436 with methionine.
Molecular consequence: missense variant. On other transcripts: intron variant (2), non-coding transcript variant (1).
Genome position (GRCh38, 1-based): chr9:96,012,858, A>G. VCF-style: chr9-96012858-A-G. GRCh37 (hg19) VCF-style: chr9-98775140-A-G.
Other names: c.3674+8157A>G (NM_001375292.1, NM_001375291.1); short protein forms I1436M.
Identifiers: ClinVar variation 1999884 (VCV001999884.2), dbSNP rs2490775167, ClinGen allele CA466123097.